The following is an entry in ClinVar:

NM_000179.3(MSH6):c.2660_2662dup (p.Leu887_Lys888insIle)

Gene: MSH6 (mutS homolog 6; plus strand). Cytogenetic location: 2p16.3.
Variant type: Duplication.
Coding change: c.2660_2662dup on transcript NM_000179.3 (MANE Select); coding-DNA positions 2660 to 2662, 3 bases duplicated (TTA; older notation c.2660_2662dupTTA).
Protein change: p.Leu887_Lys888insIle.
Molecular consequence: inframe insertion.
Genome position (GRCh38, 1-based): chr2:47,800,643-47,800,645, TTA duplicated. VCF-style (leftmost placement, unchanged base first): chr2-47800642-C-CTTA. GRCh37 (hg19) VCF-style: chr2-48027781-C-CTTA.
Other names: c.2660_2662dupTTA (NM_000179.2); c.2270_2272dup, p.Leu757_Lys758insIle (NM_001281492.2); c.1754_1756dup, p.Leu585_Lys586insIle (NM_001281493.2, NM_001281494.2).
Identifiers: ClinVar variation 231787 (VCV000231787.14), dbSNP rs876659363, ClinGen allele CA10578111.

ClinVar aggregate classification (germline): Uncertain significance. Review status: criteria provided, multiple submitters, no conflicts (2 of 4 stars). 2 submissions from 2 submitters: Uncertain significance (2). Last evaluated 2024-07-17.

Conditions:
Hereditary nonpolyposis colorectal neoplasms. Identifiers: MedGen C0009405, MeSH D003123.
Hereditary cancer-predisposing syndrome. Also called: Neoplastic Syndromes, Hereditary; Tumor predisposition; Hereditary Cancer Syndrome; Hereditary neoplastic syndrome. Identifiers: Orphanet 140162, MedGen C0027672, MeSH D009386, MONDO:0015356.

Submissions (2):

Ambry Genetics
Classification: Uncertain significance for Hereditary cancer-predisposing syndrome. Last evaluated: 2024-07-17. Review status: criteria provided, single submitter. Criteria: Ambry Variant Classification Scheme 2023. Collection method: clinical testing. Allele origin: germline.
Comment: The c.2660_2662dupTTA variant (also known as p.L887_K888insI), located in coding exon 4 of the MSH6 gene, results from an in-frame duplication of TTA at nucleotide positions 2660 to 2662. This results in the insertion of an isoleucine residue between codons 887 and 888. In addition, this alteration is predicted to be deleterious by in silico analysis (Choi Y et al. PLoS ONE. 2012; 7(10):e46688). Based on the available evidence, the clinical significance of this variant remains unclear.

Labcorp Genetics (formerly Invitae), Labcorp
Classification: Uncertain significance for Hereditary nonpolyposis colorectal neoplasms. Last evaluated: 2021-03-09. Review status: criteria provided, single submitter. Criteria: Invitae Variant Classification Sherloc (09022015). Collection method: clinical testing. Allele origin: germline.
Comment: This variant, c.2660_2662dup, results in the insertion of 1 amino acid(s) to the MSH6 protein (p.Leu887_Lys888insIle), but otherwise preserves the integrity of the reading frame. This variant is not present in population databases (ExAC no frequency). This variant has not been reported in the literature in individuals with MSH6-related conditions. ClinVar contains an entry for this variant (Variation ID: 231787). Experimental studies and prediction algorithms are not available or were not evaluated, and the functional significance of this variant is currently unknown. In summary, the available evidence is currently insufficient to determine the role of this variant in disease. Therefore, it has been classified as a Variant of Uncertain Significance.